The following is an entry in ClinVar:

NM_015915.5(ATL1):c.317C>G (p.Pro106Arg)

Gene: ATL1 (atlastin GTPase 1; plus strand). Cytogenetic location: 14q22.1.
Variant type: single nucleotide variant.
Coding change: c.317C>G on transcript NM_015915.5 (MANE Select); coding-DNA position 317, C replaced by G.
Protein change: p.Pro106Arg; replaces proline 106 with arginine.
Molecular consequence: missense variant.
Genome position (GRCh38, 1-based): chr14:50,590,975, C>G. VCF-style: chr14-50590975-C-G. GRCh37 (hg19) VCF-style: chr14-51057693-C-G.
Other names: c.317C>G, p.Pro106Arg (NM_001127713.1, NM_181598.4); short protein forms P106R.
Identifiers: ClinVar variation 2831861 (VCV002831861.3), dbSNP rs1268625861, ClinGen allele CA389666497.
Genomic context (GRCh38, chr14:50,590,975, plus strand): 5'-ATATCATAGACTTTATCATTTTATAGGAATCAGTTGATTGGGTTGGAGACTACAATGAAC[C>G]ATTGACTGGTTTTTCATGGAGAGGTGGATCTGAGCGAGAGACCACAGGAATTCAGATATG-3'
Protein context (NP_056999.2, residues 96-116): SVDWVGDYNE[Pro106Arg]LTGFSWRGGS

ClinVar aggregate classification (germline): Uncertain significance (1 of 4 stars; one submission).

Conditions:
Hereditary spastic paraplegia 3A (SPG3A). Also called: SPASTIC PARAPLEGIA 3, AUTOSOMAL DOMINANT; FAMILIAL SPASTIC PARAPLEGIA, AUTOSOMAL DOMINANT, 1; SPG3; STRUMPELL DISEASE; Spastic Paraplegia 3A; Spastic paraplegia 3A, autosomal dominant. Identifiers: Orphanet 100984, MedGen C2931355, MONDO:0008437, OMIM 182600.

gnomAD v4.1: 2 of 1,613,722 alleles (0.00012%); highest among the groups gnomAD compares: Non-Finnish European, 0.00017%; no homozygotes.

Submission:

Labcorp Genetics (formerly Invitae), Labcorp
Classification: Uncertain significance for Hereditary spastic paraplegia 3A. Last evaluated: 2023-01-25. Review status: criteria provided, single submitter. Criteria: Invitae Variant Classification Sherloc (09022015). Collection method: clinical testing. Allele origin: germline.
Comment: In summary, the available evidence is currently insufficient to determine the role of this variant in disease. Therefore, it has been classified as a Variant of Uncertain Significance. Advanced modeling of protein sequence and biophysical properties (such as structural, functional, and spatial information, amino acid conservation, physicochemical variation, residue mobility, and thermodynamic stability) performed at Invitae indicates that this missense variant is expected to disrupt ATL1 protein function. This variant has not been reported in the literature in individuals affected with ATL1-related conditions. This variant is not present in population databases (gnomAD no frequency). This sequence change replaces proline, which is neutral and non-polar, with arginine, which is basic and polar, at codon 106 of the ATL1 protein (p.Pro106Arg).